The following is an entry in ClinVar:

ClinVar aggregate classification (germline): Uncertain significance (1 of 4 stars; one submission).

Allele frequency attached by ClinVar (database versions not stated): gnomAD 0.00001.
gnomAD v4.1: 9 of 1,614,114 alleles (0.00056%); highest among the groups gnomAD compares: East Asian, 0.0045%; no homozygotes.

Submission:

Labcorp Genetics (formerly Invitae), Labcorp
Classification: Uncertain significance. Last evaluated: 2026-01-06. Review status: criteria provided, single submitter. Criteria: Invitae Variant Classification Sherloc (09022015). Collection method: clinical testing. Allele origin: germline.
Comment: This sequence change replaces proline, which is neutral and non-polar, with leucine, which is neutral and non-polar, at codon 710 of the FLNB protein (p.Pro710Leu). This variant is present in population databases (no rsID available, gnomAD 0.003%). This variant has not been reported in the literature in individuals affected with FLNB-related conditions. ClinVar contains an entry for this variant (Variation ID: 1938518). Invitae Evidence Modeling of protein sequence and biophysical properties (such as structural, functional, and spatial information, amino acid conservation, physicochemical variation, residue mobility, and thermodynamic stability) indicates that this missense variant is not expected to disrupt FLNB protein function with a negative predictive value of 80%. In summary, the available evidence is currently insufficient to determine the role of this variant in disease. Therefore, it has been classified as a Variant of Uncertain Significance.

NM_001457.4(FLNB):c.2129C>T (p.Pro710Leu)

Gene: FLNB (filamin B; plus strand). Cytogenetic location: 3p14.3.
Variant type: single nucleotide variant.
Coding change: c.2129C>T on transcript NM_001457.4 (MANE Select); coding-DNA position 2129, C replaced by T.
Protein change: p.Pro710Leu; replaces proline 710 with leucine.
Molecular consequence: missense variant.
Genome position (GRCh38, 1-based): chr3:58,109,252, C>T. VCF-style: chr3-58109252-C-T. GRCh37 (hg19) VCF-style: chr3-58094979-C-T.
Other names: c.2129C>T, p.Pro710Leu (NM_001164317.2, NM_001164318.2, NM_001164319.2); short protein forms P710L.
Identifiers: ClinVar variation 1938518 (VCV001938518.5), dbSNP rs1262159783, ClinGen allele CA353342972.